The following is an entry in ClinVar:

ClinVar aggregate classification (germline): Likely pathogenic (1 of 4 stars; one submission).

Conditions:
Inborn genetic diseases. Identifiers: MedGen C0950123, MeSH D030342.

gnomAD v4.1: 1 of 1,613,414 alleles (0.000062%); highest among the groups gnomAD compares: Non-Finnish European, 0.000085%; no homozygotes.

Submission:

Ambry Genetics
Classification: Likely pathogenic for Inborn genetic diseases. Last evaluated: 2025-01-06. Review status: criteria provided, single submitter. Criteria: Ambry Variant Classification Scheme 2023. Collection method: clinical testing. Allele origin: germline.
Comment: The c.949A>G (p.T317A) alteration is located in exon 7 (coding exon 7) of the RORB gene. This alteration results from an A to G substitution at nucleotide position 949, causing the threonine (T) at amino acid position 317 to be replaced by an alanine (A). This variant was not reported in population-based cohorts in the Genome Aggregation Database (gnomAD). This amino acid position is highly conserved in available vertebrate species. This missense alteration is located in a region that has a low rate of benign missense variation (Lek, 2016; Firth, 2009). This alteration is predicted to be deleterious by in silico analysis. Based on the available evidence, this alteration is classified as likely pathogenic.

NM_006914.4(RORB):c.949A>G (p.Thr317Ala)

Gene: RORB (RAR related orphan receptor B; plus strand). Cytogenetic location: 9q21.13.
Variant type: single nucleotide variant.
Coding change: c.949A>G on transcript NM_006914.4 (MANE Select); coding-DNA position 949, A replaced by G.
Protein change: p.Thr317Ala; replaces threonine 317 with alanine.
Molecular consequence: missense variant.
Genome position (GRCh38, 1-based): chr9:74,665,544, A>G. VCF-style: chr9-74665544-A-G. GRCh37 (hg19) VCF-style: chr9-77280460-A-G.
Other names: c.982A>G, p.Thr328Ala (NM_001365023.1); short protein forms T328A, T317A.
Identifiers: ClinVar variation 3434845 (VCV003434845.2).